The following is an entry in ClinVar:

ClinVar aggregate classification (germline): Uncertain significance (1 of 4 stars; one submission).

gnomAD v4.1: 2 of 1,581,818 alleles (0.00013%); highest among the groups gnomAD compares: African/African-American, 0.0013%; no homozygotes.

Submission:

Dasa
Classification: Uncertain significance. Last evaluated: 2024-10-10. Review status: criteria provided, single submitter. Criteria: DASA Assertion Criteria. Collection method: clinical testing. Allele origin: germline.
Comment: NM_001127222.2(CACNA1A):c.4222G>A (p.Glu1408Lys) is a missense variant that results in the substitution of glutamic acid with lysine. This variant is rare in population databases. Computational prediction algorithms are consistent with a deleterious effect. The currently available literature and clinical evidence are not sufficient to establish a definitive association between this variant and the reported condition. Therefore, this variant is classified as a variant of uncertain significance.

NM_001127222.2(CACNA1A):c.4222G>A (p.Glu1408Lys)

Genes: CACNA1A (calcium voltage-gated channel subunit alpha1 A; minus strand), LOC126862864 (MED14-independent group 3 enhancer GRCh37_chr19:13371552-13372751; plus strand). Cytogenetic location: 19p13.13.
Variant type: single nucleotide variant.
Coding change: c.4222G>A on transcript NM_001127222.2 (MANE Select); coding-DNA position 4222, G replaced by A.
Protein change: p.Glu1408Lys; replaces glutamic acid 1408 with lysine.
Molecular consequence: missense variant.
Genome position (GRCh38, 1-based): chr19:13,261,478, C>T on the plus strand (G>A on the coding strand, the complement: CACNA1A is on the minus strand). VCF-style: chr19-13261478-C-T. GRCh37 (hg19) VCF-style: chr19-13372292-C-T.
Other names: c.4234G>A, p.Glu1412Lys (NM_000068.4, NM_023035.3); c.4225G>A, p.Glu1409Lys (NM_001127221.2, NM_001174080.2); short protein forms E1408K, E1409K, E1412K.
Identifiers: ClinVar variation 4883598 (VCV004883598.2).